The following is an entry in ClinVar:

ClinVar aggregate classification (germline): Likely benign (0 of 4 stars; one submission).

Conditions:
KAT2B-related disorder. Also called: KAT2B-related condition.

Submission:

PreventionGenetics, part of Exact Sciences
Classification: Likely benign for KAT2B-related condition. Last evaluated: 2024-04-03. Review status: no assertion criteria provided. Collection method: clinical testing. Allele origin: germline.
Comment: This variant is classified as likely benign based on ACMG/AMP sequence variant interpretation guidelines (Richards et al. 2015 PMID: 25741868, with internal and published modifications).

NM_003884.5(KAT2B):c.*8dup

Gene: KAT2B (lysine acetyltransferase 2B; plus strand). Cytogenetic location: 3p24.3.
Variant type: Duplication.
Coding change: c.*8dup on transcript NM_003884.5 (MANE Select); 8 bases downstream of the stop codon, one base duplicated (T; older notation c.*8dupT).
Molecular consequence: 3 prime UTR variant.
Genome position (GRCh38, 1-based): chr3:20,152,533, T duplicated; the last of 8 consecutive T bases (chr3:20,152,526-20,152,533); duplicating any one gives the same sequence. VCF-style (leftmost placement, unchanged base first): chr3-20152525-A-AT. GRCh37 (hg19) VCF-style: chr3-20194017-A-AT.
Identifiers: ClinVar variation 3352009 (VCV003352009.1).
Genomic context (GRCh38, chr3:20,152,525, plus strand): 5'-CAATATCCTGGAGAAATTCTTCTTCAGTAAAATTAAGGAAGCTGGATTAATTGACAAGTG[A>AT]TTTTTTTTCCCCTCTGCTTCTTAGAAACTCACCAAGCAGTGTGCCTAAAGCAAGGTGGTT-3'